The following is an entry in ClinVar:

ClinVar aggregate classification (germline): Uncertain significance (1 of 4 stars; one submission).

Conditions:
Cohen syndrome (COH1). Also called: Cutis verticis gyrata, retinitis pigmentosa, and sensorineural deafness; PEPPER SYNDROME. Identifiers: Orphanet 193, MedGen C0265223, MONDO:0008999, OMIM 216550.

Submission:

Labcorp Genetics (formerly Invitae), Labcorp
Classification: Uncertain significance for Cohen syndrome. Last evaluated: 2022-12-06. Review status: criteria provided, single submitter. Criteria: Invitae Variant Classification Sherloc (09022015). Collection method: clinical testing. Allele origin: germline.
Comment: In summary, the available evidence is currently insufficient to determine the role of this variant in disease. Therefore, it has been classified as a Variant of Uncertain Significance. Advanced modeling of protein sequence and biophysical properties (such as structural, functional, and spatial information, amino acid conservation, physicochemical variation, residue mobility, and thermodynamic stability) has been performed at Invitae for this missense variant, however the output from this modeling did not meet the statistical confidence thresholds required to predict the impact of this variant on VPS13B protein function. This variant has not been reported in the literature in individuals affected with VPS13B-related conditions. This variant is not present in population databases (gnomAD no frequency). This sequence change replaces serine, which is neutral and polar, with phenylalanine, which is neutral and non-polar, at codon 2815 of the VPS13B protein (p.Ser2815Phe).

NM_152564.5(VPS13B):c.8369C>T (p.Ser2790Phe)

Gene: VPS13B (vacuolar protein sorting 13 homolog B; plus strand). Cytogenetic location: 8q22.2.
Variant type: single nucleotide variant.
Coding change: c.8369C>T on transcript NM_152564.5 (MANE Select); coding-DNA position 8369, C replaced by T.
Protein change: p.Ser2790Phe; replaces serine 2790 with phenylalanine.
Molecular consequence: missense variant.
Genome position (GRCh38, 1-based): chr8:99,818,458, C>T. VCF-style: chr8-99818458-C-T. GRCh37 (hg19) VCF-style: chr8-100830686-C-T.
Other names: c.8444C>T, p.Ser2815Phe (NM_017890.5); short protein forms S2790F, S2815F.
Identifiers: ClinVar variation 2002701 (VCV002002701.4), dbSNP rs2492008995, ClinGen allele CA371773572.